The following is an entry in ClinVar:

ClinVar aggregate classification (germline): Uncertain significance (1 of 4 stars; one submission).

Allele frequency attached by ClinVar (database versions not stated): ExAC 0.00001; TOPMed 0.00001.

Submission:

Ambry Genetics
Classification: Uncertain significance. Last evaluated: 2022-09-28. Review status: criteria provided, single submitter. Criteria: Ambry Variant Classification Scheme 2023. Collection method: clinical testing. Allele origin: germline.
Comment: The p.S401F variant (also known as c.1202C>T), located in coding exon 4 of the PALLD gene, results from a C to T substitution at nucleotide position 1202. The serine at codon 401 is replaced by phenylalanine, an amino acid with highly dissimilar properties. This amino acid position is conserved. In addition, the in silico prediction for this alteration is inconclusive. Since supporting evidence is limited at this time, the clinical significance of this alteration remains unclear.

NM_001166108.2(PALLD):c.1202C>T (p.Ser401Phe)

Gene: PALLD (palladin, cytoskeletal associated protein; plus strand). Cytogenetic location: 4q32.3.
Variant type: single nucleotide variant.
Coding change: c.1202C>T on transcript NM_001166108.2 (MANE Select); coding-DNA position 1202, C replaced by T.
Protein change: p.Ser401Phe; replaces serine 401 with phenylalanine.
Molecular consequence: missense variant.
Genome position (GRCh38, 1-based): chr4:168,683,045, C>T. VCF-style: chr4-168683045-C-T. GRCh37 (hg19) VCF-style: chr4-169604196-C-T.
Other names: c.56C>T, p.Ser19Phe (NM_001166109.2); c.1202C>T, p.Ser401Phe (NM_016081.4); short protein forms S19F, S401F.
Identifiers: ClinVar variation 1747870 (VCV001747870.2), dbSNP rs746143676, ClinGen allele CA3135543.